The following is an entry in ClinVar:

NM_201253.3(CRB1):c.1292C>T (p.Thr431Ile)

Gene: CRB1 (crumbs cell polarity complex component 1; plus strand). Cytogenetic location: 1q31.3.
Variant type: single nucleotide variant.
Coding change: c.1292C>T on transcript NM_201253.3 (MANE Select); coding-DNA position 1292, C replaced by T.
Protein change: p.Thr431Ile; replaces threonine 431 with isoleucine.
Molecular consequence: missense variant. On other transcripts: non-coding transcript variant (2).
Genome position (GRCh38, 1-based): chr1:197,421,120, C>T. VCF-style: chr1-197421120-C-T. GRCh37 (hg19) VCF-style: chr1-197390250-C-T.
Other names: c.956C>T, p.Thr319Ile (NM_001193640.2); c.1085C>T, p.Thr362Ile (NM_001257965.2); c.1292C>T, p.Thr431Ile (NM_001257966.2); short protein forms T431I, T362I, T319I.
Identifiers: ClinVar variation 618046 (VCV000618046.20), dbSNP rs751691851, ClinGen allele CA1311902.

ClinVar aggregate classification (germline): Conflicting classifications of pathogenicity. Review status: criteria provided, conflicting classifications (1 of 4 stars). 5 submissions from 5 submitters: Uncertain significance (2); Likely benign (2). 1 of the submissions does not count toward it. Last evaluated 2025-11-24.

Conditions:
Leber congenital amaurosis 8 (LCA8). Identifiers: Orphanet 65, MedGen C3151202, MONDO:0013453, OMIM 613835.
Retinitis pigmentosa 12 (RP12). Also called: RP WITH OR WITHOUT PRESERVED PARAARTERIOLE RETINAL PIGMENT EPITHELIUM; RETINITIS PIGMENTOSA WITH OR WITHOUT PARAARTERIOLAR PRESERVATION OF RETINAL PIGMENT EPITHELIUM; RP WITH OR WITHOUT PPRPE. Identifiers: Orphanet 791, MedGen C1838647, MONDO:0010818, OMIM 600105.
Leber congenital amaurosis (LCA). Also called: Leber's amaurosis. Identifiers: Orphanet 65, MedGen C0339527, MeSH D057130, MONDO:0018998.
Inborn genetic diseases. Identifiers: MedGen C0950123, MeSH D030342.

Allele frequency attached by ClinVar (database versions not stated): gnomAD below 0.00001 and 0.00002; TOPMed 0.00001; gnomAD exomes 0.00005 and 0.00010; ExAC 0.00009.
gnomAD v4.1: 72 of 1,614,166 alleles (0.0045%); highest among the groups gnomAD compares: South Asian, 0.076%; no homozygotes.

Submissions (5):

Labcorp Genetics (formerly Invitae), Labcorp
Classification: Likely benign for Leber congenital amaurosis 8; Retinitis pigmentosa 12. Last evaluated: 2025-11-24. Review status: criteria provided, single submitter. Criteria: Invitae Variant Classification Sherloc (09022015). Collection method: clinical testing. Allele origin: germline.

Blueprint Genetics
Classification: Likely benign. Last evaluated: 2024-02-09. Review status: criteria provided, single submitter. Criteria: ACMG Guidelines, 2015. Collection method: clinical testing. Allele origin: germline.

Ambry Genetics
Classification: Uncertain significance for Inborn genetic diseases. Last evaluated: 2023-12-21. Review status: criteria provided, single submitter. Criteria: Ambry Variant Classification Scheme 2023. Collection method: clinical testing. Allele origin: germline.

ARUP Laboratories, Molecular Genetics and Genomics, ARUP Laboratories
Classification: Uncertain significance. Last evaluated: 2018-06-22. Review status: criteria provided, single submitter. Criteria: ARUP Molecular Germline Variant Investigation Process. Collection method: clinical testing. Allele origin: germline.
Comment: The CRB1 c.1292C>T; p.Thr431Ile variant (rs751691851), to our knowledge, is not reported in the medical literature or in gene-specific databases. The variant is not reported in the ClinVar database, but is listed in the Genome Aggregation Database in 0.08% (25/30782 alleles) of the South Asian population. The threonine at codon 43 is moderately conserved across species and computational algorithms (PolyPhen-2, SIFT) predict this variant is tolerated. Considering available information, there is insufficient evidence to classify the variant with certainty. Pathogenic CRB1 variants are causative for autosomal dominant pigmented paravenous chorioretinal atrophy (MIM: 172870) or autosomal recessive Leber congenital amaurosis (MIM: 613835) or retinitis pigmentosa (MIM: 600105).

Natera, Inc.
Classification: Uncertain significance for Leber congenital amaurosis. Last evaluated: 2019-11-11. Review status: no assertion criteria provided. Collection method: clinical testing. Allele origin: germline. Not counted in ClinVar's aggregate classification.